The following is an entry in ClinVar:

NM_022455.5(NSD1):c.1129del (p.Trp377fs)

Gene: NSD1 (nuclear receptor binding SET domain protein 1; plus strand). Cytogenetic location: 5q35.3.
Variant type: Deletion.
Coding change: c.1129del on transcript NM_022455.5 (MANE Select); coding-DNA position 1129, one base deleted (T; older notation c.1129delT).
Protein change: p.Trp377fs; shifts the reading frame from tryptophan 377.
Molecular consequence: frameshift variant.
Genome position (GRCh38, 1-based): chr5:177,204,185, T deleted. VCF-style (leftmost placement, unchanged base first): chr5-177204184-CT-C. GRCh37 (hg19) VCF-style: chr5-176631185-CT-C.
Other names: c.256del, p.Trp86fs (NM_001365684.2, NM_001409306.1, NM_001409307.1 and 3 more transcripts); c.1129del, p.Trp377fs (NM_001409301.1, NM_001409302.1, NM_001409303.1); c.709del, p.Trp237fs (NM_001409304.1); c.376del, p.Trp126fs (NM_001409305.1); short protein forms W237fs, W377fs, W126fs, W86fs.
Identifiers: ClinVar variation 3690363 (VCV003690363.2).

ClinVar aggregate classification (germline): Pathogenic (1 of 4 stars; one submission).

Submission:

Labcorp Genetics (formerly Invitae), Labcorp
Classification: Pathogenic. Last evaluated: 2022-11-14. Review status: criteria provided, single submitter. Criteria: Invitae Variant Classification Sherloc (09022015). Collection method: clinical testing. Allele origin: germline.
Comment: This sequence change creates a premature translational stop signal (p.Trp377Glyfs*42) in the NSD1 gene. It is expected to result in an absent or disrupted protein product. Loss-of-function variants in NSD1 are known to be pathogenic (PMID: 12464997, 14571271, 15942875, 16247291). This variant is not present in population databases (gnomAD no frequency). For these reasons, this variant has been classified as Pathogenic. This variant has not been reported in the literature in individuals affected with NSD1-related conditions.

Literature cited by the submitters: PubMed 12464997; PubMed 14571271; PubMed 15942875; PubMed 16247291.